The following is an entry in ClinVar:

NM_001009944.3(PKD1):c.8716G>A (p.Gly2906Ser)

Gene: PKD1 (polycystin 1, transient receptor potential channel interacting; minus strand). Cytogenetic location: 16p13.3.
Variant type: single nucleotide variant.
Coding change: c.8716G>A on transcript NM_001009944.3 (MANE Select); coding-DNA position 8716, G replaced by A.
Protein change: p.Gly2906Ser; replaces glycine 2906 with serine.
Molecular consequence: missense variant.
Genome position (GRCh38, 1-based): chr16:2,103,341, C>T on the plus strand (G>A on the coding strand, the complement: PKD1 is on the minus strand). VCF-style: chr16-2103341-C-T. GRCh37 (hg19) VCF-style: chr16-2153342-C-T.
Other names: c.8716G>A, p.Gly2906Ser (NM_000296.4); short protein forms G2906S.
Identifiers: ClinVar variation 1028436 (VCV001028436.1), dbSNP rs376611349, ClinGen allele CA7830408.

ClinVar aggregate classification (germline): Uncertain significance (1 of 4 stars; one submission).

Conditions:
Polycystic kidney disease, adult type (PKD1). Also called: Polycystic Kidney Disease 1, Autosomal Dominant; Polycystic kidney disease 1; Polycystic kidney disease 1, severe; POLYCYSTIC KIDNEY DISEASE 1 WITH OR WITHOUT POLYCYSTIC LIVER DISEASE; POLYCYSTIC KIDNEY DISEASE, ADULT, TYPE I; Polycystic Kidney, Autosomal Dominant. Identifiers: MedGen C3149841, MONDO:0008263, OMIM 173900.

Allele frequency attached by ClinVar (database versions not stated): gnomAD exomes 0.00008 and 0.00011; gnomAD 0.00009 and 0.00010; TOPMed 0.00009; ExAC 0.00013; 1000 Genomes Project 30x 0.00016; ESP Exome Variant Server 0.00016; 1000 Genomes Project 0.00020.
gnomAD v4.1: 131 of 1,606,002 alleles (0.0082%); highest among the groups gnomAD compares: South Asian, 0.069%; no homozygotes.

Submission:

Baylor Genetics
Classification: Uncertain significance for Polycystic kidney disease, adult type. Last evaluated: 2019-05-03. Review status: criteria provided, single submitter. Criteria: ACMG Guidelines, 2015. Collection method: clinical testing. Allele origin: unknown. Affected: yes.
Comment: This variant was determined to be of uncertain significance according to ACMG Guidelines, 2015 [PMID:25741868].